The following is an entry in ClinVar:

NM_007294.4(BRCA1):c.4736C>T (p.Pro1579Leu)

Gene: BRCA1 (BRCA1 DNA repair associated; minus strand). Cytogenetic location: 17q21.31.
Variant type: single nucleotide variant.
Coding change: c.4736C>T on transcript NM_007294.4 (MANE Select); coding-DNA position 4736, C replaced by T.
Protein change: p.Pro1579Leu; replaces proline 1579 with leucine.
Molecular consequence: missense variant. On other transcripts: non-coding transcript variant (1).
Genome position (GRCh38, 1-based): chr17:43,071,178, G>A on the plus strand (C>T on the coding strand, the complement: BRCA1 is on the minus strand). VCF-style: chr17-43071178-G-A. GRCh37 (hg19) VCF-style: chr17-41223195-G-A.
Other names: c.4529C>T, p.Pro1510Leu (NM_001407874.1, NM_001407875.1); c.4526C>T, p.Pro1509Leu (NM_001407881.1, NM_001407879.1, NM_001407882.1 and 5 more transcripts); c.4523C>T, p.Pro1508Leu (NM_001407571.1, NM_001407894.1, NM_001407895.1 and 12 more transcripts); c.4802C>T, p.Pro1601Leu (NM_001407581.1, NM_001407582.1); c.4799C>T, p.Pro1600Leu (NM_001407583.1, NM_001407585.1, NM_001407587.1 and 1 more transcripts); c.4796C>T, p.Pro1599Leu (NM_001407590.1, NM_001407591.1); c.4736C>T, p.Pro1579Leu (NM_001407593.1, NM_001407594.1, NM_001407596.1 and 8 more transcripts); c.4733C>T, p.Pro1578Leu (NM_001407610.1, NM_001407611.1, NM_001407612.1 and 17 more transcripts); and 70 more; short protein forms P475L, P1579L, P1532L, P1600L, P1410L, P1425L, P1450L, P1451L.
Identifiers: ClinVar variation 922319 (VCV000922319.5), dbSNP rs2052418833, ClinGen allele CA10592035.
Genomic context (GRCh38, chr17:43,071,178, plus strand): 5'-GCAGAGGTTGAAGATGGTATGTTGCCAACACGAGCTGACTCTGGGGCTCTGTCTTCAGAA[G>A]GATCAGATTCAGGGTCATCAGAGAAGAGGCTGATTCCAGATTCCAGGTAAGGGGTTCCCT-3'
Protein context (NP_009225.1, residues 1569-1589): SLFSDDPESD[Pro1579Leu]SEDRAPESAR

ClinVar aggregate classification (germline): Uncertain significance (1 of 4 stars; one submission).

Conditions:
Hereditary cancer-predisposing syndrome. Also called: Neoplastic Syndromes, Hereditary; Tumor predisposition; Hereditary Cancer Syndrome; Hereditary neoplastic syndrome. Identifiers: Orphanet 140162, MedGen C0027672, MeSH D009386, MONDO:0015356.

Submission:

Color Diagnostics, LLC DBA Color Health
Classification: Uncertain significance for Hereditary cancer-predisposing syndrome. Last evaluated: 2022-01-05. Review status: criteria provided, single submitter. Criteria: ACMG Guidelines, 2015. Collection method: clinical testing. Allele origin: germline.
Comment: This missense variant replaces proline with leucine at codon 1579 of the BRCA1 protein. Computational prediction is inconclusive regarding the impact of this variant on protein structure and function (internally defined REVEL score threshold 0.5 < inconclusive < 0.7, PMID: 27666373). To our knowledge, functional studies have not been reported for this variant. This variant has been reported in individuals affected with ovarian cancer (Color internal data). This variant has not been identified in the general population by the Genome Aggregation Database (gnomAD). The available evidence is insufficient to determine the role of this variant in disease conclusively. Therefore, this variant is classified as a Variant of Uncertain Significance.